The following is an entry in ClinVar:

NM_177438.3(DICER1):c.1753-7T>C

Gene: DICER1 (dicer 1, ribonuclease III; minus strand). Cytogenetic location: 14q32.13.
Variant type: single nucleotide variant.
Coding change: c.1753-7T>C on transcript NM_177438.3 (MANE Select); 7 bases into the intron before coding-DNA position 1753, T replaced by C.
Molecular consequence: intron variant.
Genome position (GRCh38, 1-based): chr14:95,115,828, A>G on the plus strand (T>C on the coding strand, the complement: DICER1 is on the minus strand). VCF-style: chr14-95115828-A-G. GRCh37 (hg19) VCF-style: chr14-95582165-A-G.
Other names: c.1753-7T>C (NM_001291628.2, NM_030621.4, NM_001271282.3 and 1 more transcripts).
Identifiers: ClinVar variation 764654 (VCV000764654.10), dbSNP rs1595407375, ClinGen allele CA915946410.

ClinVar aggregate classification (germline): Likely benign. Review status: reviewed by expert panel (3 of 4 stars). 3 submissions from 3 submitters: Likely benign (1). 2 of the submissions do not count toward it. Last evaluated 2026-02-24.

Conditions:
DICER1-related tumor predisposition. Also called: DICER1 syndrome; DICER1-related pleuropulmonary blastoma cancer predisposition syndrome. Identifiers: Orphanet 284343, MedGen C3839822, MONDO:0100216.

Submissions (3):

ClinGen DICER1 and miRNA-Processing Gene Variant Curation Expert Panel, ClinGen
Classification: Likely benign for DICER1-related tumor predisposition. Last evaluated: 2026-02-24. Review status: reviewed by expert panel. Criteria: ClinGen DICER1 ACMG Specifications DICER1 V1.4.0. Collection method: curation. Allele origin: germline. Inheritance: Autosomal dominant inheritance.
Comment: The NM_177438.2:c.1753-7T>C variant in DICER1 is an intronic variant resulting from a T to C substitution 7 nucleotides upstream from coding exon 11. It is not predicted by MaxEntScan or SpliceAI to impact splicing. In addition, it occurs at a nucleotide that is not conserved, as the variant is the reference nucleotide in more than 3 mammalian species in the UCSC Genome Browser Multiz Alignments track (BP4, BP7). Although this variant has been observed in individuals undergoing genetic sequencing, to our knowledge, this variant has not been reported in individuals with DICER1-related tumor predisposition (PS4 not met; Internal lab contributors). This variant is absent from gnomAD v4.1.0 (PM2_Supporting). In summary, this variant meets the criteria to be classified as Likely Benign for DICER1-related tumor predisposition based on the ACMG/AMP criteria applied, as specified by the ClinGen DICER1 VCEP: BP4, BP7, PM2_Supporting. (Bayesian Points: -1; VCEP specifications version 1.4.0; 02/24/2026)

Labcorp Genetics (formerly Invitae), Labcorp
Classification: Likely benign for DICER1-related tumor predisposition. Last evaluated: 2023-09-04. Review status: criteria provided, single submitter. Criteria: Invitae Variant Classification Sherloc (09022015). Collection method: clinical testing. Allele origin: germline. Not counted in ClinVar's aggregate classification.

Quest Diagnostics Nichols Institute San Juan Capistrano
Classification: Uncertain significance. Last evaluated: 2022-12-31. Review status: criteria provided, single submitter. Criteria: Quest Diagnostics criteria. Collection method: clinical testing. Allele origin: unknown. Not counted in ClinVar's aggregate classification.
Comment: To the best of our knowledge, the variant has not been reported in the published literature. It also has not been reported in large, multi-ethnic general populations. Analysis of this variant using software algorithms for the prediction of the effect of nucleotide changes on splicing yielded predictions that this variant does not affect DICER1 mRNA splicing . Based on the available information, we are unable to determine the clinical significance of this variant.